The following is an entry in ClinVar:

ClinVar aggregate classification (germline): Benign/Likely benign. Review status: criteria provided, multiple submitters, no conflicts (2 of 4 stars). 4 submissions from 4 submitters: Benign (1); Likely benign (2). 1 of the submissions does not count toward it. Last evaluated 2025-10-13.

Conditions:
CLCN4-related disorder. Identifiers: MedGen CN232948.

Allele frequency attached by ClinVar (database versions not stated): gnomAD 0.00005 and below 0.00001; gnomAD exomes 0.00015 and 0.00021; ESP Exome Variant Server 0.00019; ExAC 0.00028; 1000 Genomes Project 30x 0.00062; 1000 Genomes Project 0.00079; TOPMed 0.00003.
gnomAD v4.1: 166 of 1,207,148 alleles (0.014%); highest among the groups gnomAD compares: South Asian, 0.2%; no homozygotes.

Submissions (4):

Labcorp Genetics (formerly Invitae), Labcorp
Classification: Benign. Last evaluated: 2025-10-13. Review status: criteria provided, single submitter. Criteria: Invitae Variant Classification Sherloc (09022015). Collection method: clinical testing. Allele origin: germline.

CeGaT Center for Human Genetics Tuebingen
Classification: Likely benign. Last evaluated: 2025-07-01. Review status: criteria provided, single submitter. Criteria: CeGaT Center For Human Genetics Tuebingen Variant Classification Criteria Version 2. Collection method: clinical testing. Allele origin: germline. Affected: yes. Observed: 1 variant allele.
Comment: CLCN4: BP4, BP7, BS2

Blueprint Genetics
Classification: Likely benign. Last evaluated: 2024-09-06. Review status: criteria provided, single submitter. Criteria: ACMG Guidelines, 2015. Collection method: clinical testing. Allele origin: germline.

PreventionGenetics, part of Exact Sciences
Classification: Likely benign for CLCN4-related condition. Last evaluated: 2022-03-28. Review status: no assertion criteria provided. Collection method: clinical testing. Allele origin: germline. Not counted in ClinVar's aggregate classification.
Comment: This variant is classified as likely benign based on ACMG/AMP sequence variant interpretation guidelines (Richards et al. 2015 PMID: 25741868, with internal and published modifications).

NM_001830.4(CLCN4):c.1980C>T (p.Asn660=)

Gene: CLCN4 (Cl-/H+ antiporter 4; plus strand). Cytogenetic location: Xp22.2.
Variant type: single nucleotide variant.
Coding change: c.1980C>T on transcript NM_001830.4 (MANE Select); coding-DNA position 1980, C replaced by T.
Protein change: p.Asn660=; no amino-acid change (asparagine 660 retained).
Molecular consequence: synonymous variant.
Genome position (GRCh38, 1-based): chrX:10,220,665, C>T. VCF-style: chrX-10220665-C-T. GRCh37 (hg19) VCF-style: chrX-10188705-C-T.
Other names: c.1698C>T, p.Asn566= (NM_001256944.2).
Identifiers: ClinVar variation 772623 (VCV000772623.20), dbSNP rs139482850, ClinGen allele CA10347325.